The following is an entry in ClinVar:

NM_006514.4(SCN10A):c.5504C>T (p.Ser1835Leu)

Gene: SCN10A (sodium voltage-gated channel alpha subunit 10; minus strand). Cytogenetic location: 3p22.2.
Variant type: single nucleotide variant.
Coding change: c.5504C>T on transcript NM_006514.4 (MANE Select); coding-DNA position 5504, C replaced by T.
Protein change: p.Ser1835Leu; replaces serine 1835 with leucine.
Molecular consequence: missense variant.
Genome position (GRCh38, 1-based): chr3:38,697,716, G>A on the plus strand (C>T on the coding strand, the complement: SCN10A is on the minus strand). VCF-style: chr3-38697716-G-A. GRCh37 (hg19) VCF-style: chr3-38739207-G-A.
Other names: c.5501C>T, p.Ser1834Leu (NM_001293306.2); c.5210C>T, p.Ser1737Leu (NM_001293307.2); short protein forms S1737L, S1834L, S1835L.
Identifiers: ClinVar variation 3225685 (VCV003225685.1), dbSNP rs1264567014, ClinGen allele CA352153168.

ClinVar aggregate classification (germline): Uncertain significance (1 of 4 stars; one submission).

Conditions:
Cardiovascular phenotype. Identifiers: MedGen CN230736.

gnomAD v4.1: 1 of 1,614,110 alleles (0.000062%); highest among the groups gnomAD compares: Non-Finnish European, 0.000085%; no homozygotes.

Submission:

Ambry Genetics
Classification: Uncertain significance for Cardiovascular phenotype. Last evaluated: 2023-10-19. Review status: criteria provided, single submitter. Criteria: Ambry Variant Classification Scheme 2023. Collection method: clinical testing. Allele origin: germline.
Comment: The p.S1835L variant (also known as c.5504C>T), located in coding exon 27 of the SCN10A gene, results from a C to T substitution at nucleotide position 5504. The serine at codon 1835 is replaced by leucine, an amino acid with dissimilar properties. This amino acid position is conserved. In addition, this alteration is predicted to be deleterious by in silico analysis. Since supporting evidence is limited at this time, the clinical significance of this alteration remains unclear.